The following is an entry in ClinVar:

ClinVar aggregate classification (germline): Uncertain significance. Review status: criteria provided, multiple submitters, no conflicts (2 of 4 stars). 3 submissions from 3 submitters: Uncertain significance (3). Last evaluated 2026-02-24.

Conditions:
Inborn genetic diseases. Identifiers: MedGen C0950123, MeSH D030342.

Allele frequency attached by ClinVar (database versions not stated): gnomAD exomes 0.00002 and 0.00005; ExAC 0.00005; gnomAD 0.00021; TOPMed 0.00032; ESP Exome Variant Server 0.00031.
gnomAD v4.1: 64 of 1,614,026 alleles (0.004%); highest among the groups gnomAD compares: African/African-American, 0.083%; no homozygotes.

Submissions (3):

GeneDx
Classification: Uncertain significance. Last evaluated: 2026-02-24. Review status: criteria provided, single submitter. Criteria: GeneDx Variant Classification Process June 2021. Collection method: clinical testing. Allele origin: germline.
Comment: In silico analysis suggests that this missense variant does not alter protein structure/function; Has not been previously published as pathogenic or benign to our knowledge

Ambry Genetics
Classification: Uncertain significance for Inborn genetic diseases. Last evaluated: 2025-04-12. Review status: criteria provided, single submitter. Criteria: Ambry Variant Classification Scheme 2023. Collection method: clinical testing. Allele origin: germline.

Labcorp Genetics (formerly Invitae), Labcorp
Classification: Uncertain significance. Last evaluated: 2021-12-02. Review status: criteria provided, single submitter. Criteria: Invitae Variant Classification Sherloc (09022015). Collection method: clinical testing. Allele origin: germline.
Comment: This sequence change replaces serine, which is neutral and polar, with proline, which is neutral and non-polar, at codon 192 of the TUFM protein (p.Ser192Pro). This variant is present in population databases (rs147545456, gnomAD 0.08%). This variant has not been reported in the literature in individuals affected with TUFM-related conditions. Algorithms developed to predict the effect of missense changes on protein structure and function output the following: SIFT: "Tolerated"; PolyPhen-2: "Benign"; Align-GVGD: "Class C0". The proline amino acid residue is found in multiple mammalian species, which suggests that this missense change does not adversely affect protein function. In summary, the available evidence is currently insufficient to determine the role of this variant in disease. Therefore, it has been classified as a Variant of Uncertain Significance.

NM_003321.5(TUFM):c.574T>C (p.Ser192Pro)

Gene: TUFM (Tu translation elongation factor, mitochondrial; minus strand). Cytogenetic location: 16p11.2.
Variant type: single nucleotide variant.
Coding change: c.574T>C on transcript NM_003321.5 (MANE Select); coding-DNA position 574, T replaced by C.
Protein change: p.Ser192Pro; replaces serine 192 with proline.
Molecular consequence: missense variant.
Genome position (GRCh38, 1-based): chr16:28,844,808, A>G on the plus strand (T>C on the coding strand, the complement: TUFM is on the minus strand). VCF-style: chr16-28844808-A-G. GRCh37 (hg19) VCF-style: chr16-28856129-A-G.
Other names: c.574T>C, p.Ser192Pro (NM_001365360.2); c.574T>C (NM_003321.4); short protein forms S192P.
Identifiers: ClinVar variation 1445905 (VCV001445905.8), dbSNP rs147545456, ClinGen allele CA7985594.
Genomic context (GRCh38, chr16:28,844,808, plus strand): 5'-TATAGCCAAACTCGGTGAGCAGCTCCCGGATCTCCAGTTCCACCAGTTCCACCATCTCAG[A>G]GTCCTGGACAGCGTCAGCCTTGTTCACATACACCACCACATGCTCCACCCCAATCTGTAG-3'
Protein context (NP_003312.3, residues 182-202): YVNKADAVQD[Ser192Pro]EMVELVELEI